The following is an entry in ClinVar:

NM_007294.4(BRCA1):c.5407-13C>G

Gene: BRCA1 (BRCA1 DNA repair associated; minus strand). Cytogenetic location: 17q21.31.
Variant type: single nucleotide variant.
Coding change: c.5407-13C>G on transcript NM_007294.4 (MANE Select); 13 bases into the intron before coding-DNA position 5407, C replaced by G.
Molecular consequence: intron variant.
Genome position (GRCh38, 1-based): chr17:43,047,716, G>C on the plus strand (C>G on the coding strand, the complement: BRCA1 is on the minus strand). VCF-style: chr17-43047716-G-C. GRCh37 (hg19) VCF-style: chr17-41199733-G-C.
Other names: c.1954-13C>G (NM_001408458.1, NM_001408461.1, NM_001408464.1 and 7 more transcripts); c.4516-13C>G (NM_001407967.1); c.5026-13C>G (NM_001407959.1); c.5140-13C>G (NM_001407931.1, NM_001407932.1, NM_001407928.1 and 4 more transcripts); c.5263-13C>G (NM_001407747.1, NM_001407745.1, NM_001407737.1 and 18 more transcripts); c.5023-13C>G (NM_001407962.1, NM_001407960.1); c.1594-13C>G (NM_001408512.1); c.1717-13C>G (NM_001408510.1); and 83 more.
Identifiers: ClinVar variation 868064 (VCV000868064.3), dbSNP rs761772657, ClinGen allele CA916080796.
Genomic context (GRCh38, chr17:43,047,716, plus strand): 5'-GTCCTCTGTCCAGGCATCTGGCTGCACAACCACAATTGGGTGGACACCCTGGATCCCCAG[G>C]AAGGAAAGAGCATTCAAAGTGTCAAAGTAGGACTACTGGAACTGTCACTTCATCATTTTT-3'

Conditions:
Breast-ovarian cancer, familial, susceptibility to, 1 (BROVCA1). Also called: BRCA1 Hereditary Breast and Ovarian Cancer; OVARIAN CANCER, SUSCEPTIBILITY TO. Identifiers: Orphanet 145, MedGen C2676676, MONDO:0011450, OMIM 604370. Disease mechanism: loss of function.

Submission:

Brotman Baty Institute, University of Washington
No classification provided (evidence only). Condition: Breast-ovarian cancer, familial 1. Review status: no classification provided. Collection method: in vitro. Allele origin: not applicable. Functional consequence: functionally_normal.
ClinVar note: "not provided" was previously submitted as the classification for the variant. However, the classification appeared to be based only on an observation of functional data so it was converted to no classification on 2025-07-30.